The following is an entry in ClinVar:

NM_000093.5(COL5A1):c.2038C>T (p.Pro680Ser)

Gene: COL5A1 (collagen type V alpha 1 chain; plus strand). Cytogenetic location: 9q34.3.
Variant type: single nucleotide variant.
Coding change: c.2038C>T on transcript NM_000093.5 (MANE Select); coding-DNA position 2038, C replaced by T.
Protein change: p.Pro680Ser; replaces proline 680 with serine.
Molecular consequence: missense variant.
Genome position (GRCh38, 1-based): chr9:134,765,684, C>T. VCF-style: chr9-134765684-C-T. GRCh37 (hg19) VCF-style: chr9-137657530-C-T.
Other names: p.P680S:CCA>TCA; c.2038C>T, p.Pro680Ser (NM_001278074.1); short protein forms P680S.
Identifiers: ClinVar variation 212946 (VCV000212946.20), dbSNP rs376920171, ClinGen allele CA321600.

ClinVar aggregate classification (germline): Conflicting classifications of pathogenicity. Review status: criteria provided, conflicting classifications (1 of 4 stars). 6 submissions from 6 submitters: Uncertain significance (5); Benign (1). Last evaluated 2026-02-03.

Conditions:
COL5A1-related disorder. Also called: COL5A1-related condition.
Ehlers-Danlos syndrome, classic type, 1 (EDSCL1). Also called: Ehlers-Danlos syndrome, type 1; Ehlers-Danlos Syndrome, Classic Type, COL5A1-Related; EDS I; EHLERS-DANLOS SYNDROME, GRAVIS TYPE; EHLERS-DANLOS SYNDROME, SEVERE CLASSIC TYPE. Identifiers: MedGen C0268335, MONDO:0019567, OMIM 130000.
Familial thoracic aortic aneurysm and aortic dissection (TAAD). Also called: Thoracic aortic aneurysms and dissections. Identifiers: Orphanet 91387, MedGen C4707243, MONDO:0019625.

Allele frequency attached by ClinVar (database versions not stated): ESP Exome Variant Server 0.00008; gnomAD 0.00010; TOPMed 0.00012.
gnomAD v4.1: 25 of 1,613,346 alleles (0.0015%); highest among the groups gnomAD compares: African/African-American, 0.029%; no homozygotes.

Submissions (6):

Labcorp Genetics (formerly Invitae), Labcorp
Classification: Benign for Ehlers-Danlos syndrome, classic type, 1. Last evaluated: 2026-02-03. Review status: criteria provided, single submitter. Criteria: Invitae Variant Classification Sherloc (09022015). Collection method: clinical testing. Allele origin: germline.

PreventionGenetics, part of Exact Sciences
Classification: Uncertain significance for COL5A1-related condition. Last evaluated: 2025-05-14. Review status: criteria provided, single submitter. Criteria: ACMG Guidelines, 2015. Collection method: clinical testing. Allele origin: germline.
Comment: The COL5A1 c.2038C>T variant is predicted to result in the amino acid substitution p.Pro680Ser. To our knowledge, this variant has not been reported in the literature. This variant is reported in 0.028% of alleles in individuals of African descent in gnomAD, which is likely too common for an undocumented disease-causing variant. Although we suspect that this variant may be benign, at this time, the clinical significance of this variant is uncertain due to the absence of conclusive functional and genetic evidence.

Ambry Genetics
Classification: Uncertain significance for Familial thoracic aortic aneurysm and aortic dissection. Last evaluated: 2019-11-01. Review status: criteria provided, single submitter. Criteria: Ambry Variant Classification Scheme 2023. Collection method: clinical testing. Allele origin: germline.
Comment: The p.P680S variant (also known as c.2038C>T), located in coding exon 21 of the COL5A1 gene, results from a C to T substitution at nucleotide position 2038. The proline at codon 680 is replaced by serine, an amino acid with similar properties. This amino acid position is highly conserved in available vertebrate species. In addition, the in silico prediction for this alteration is inconclusive. Since supporting evidence is limited at this time, the clinical significance of this alteration remains unclear.

Mayo Clinic Laboratories, Mayo Clinic
Classification: Uncertain significance. Last evaluated: 2019-08-11. Review status: criteria provided, single submitter. Criteria: ACMG Guidelines, 2015. Collection method: clinical testing. Allele origin: germline. Observed: 1 variant allele.

Genetic Services Laboratory, University of Chicago
Classification: Uncertain significance. Last evaluated: 2016-05-03. Review status: criteria provided, single submitter. Criteria: ACMG Guidelines, 2015. Collection method: clinical testing. Allele origin: germline. Affected: no.

GeneDx
Classification: Uncertain significance. Last evaluated: 2014-08-13. Review status: criteria provided, single submitter. Criteria: GeneDx Variant Classification (06012015). Collection method: clinical testing. Allele origin: germline. Affected: yes.
Comment: p.Pro680Ser (CCA>TCA): c.2038 C>T in exon 21 of the COL5A1 gene (NM_000093.3). Approximately 46% of patients with autosomal dominant Ehlers-Danlos syndrome (EDS), classic type, have been reported to have a mutation in the COL5A1 gene (Malfait F et al., 2011).The P680S variant has not been published as a mutation, nor has it been re ported as a benign polymorphism to our knowledge. The P680S variant was not observed with any significant frequency in approximately 6,500 individuals of European and African American ancestry in the NHLBI Exome Sequencing Project, indicating it is not a common benign variant in these populations. The P680S variant is a non-conservative amino acid substitution, which is likely to impact secondary protein structure as these residues differ in polarity, charge, size and/or other properties. This substitution occurs at a position that is conserved in mammals. In silico analysis predicts this variant is probably damaging to the protein structure/function. However, no missense mutations in nearby residues have been reported in association with EDS, indicating that this region of the protein is tolerant of change. Therefore, based on the currently available information, it is unclear whether this variant is a pathogenic mutation or a rare benign variant.This variant was found in TAAD